The following is an entry in ClinVar:

ClinVar aggregate classification (germline): Uncertain significance (1 of 4 stars; one submission).

Conditions:
Progressive myoclonic epilepsy type 5. Identifiers: Orphanet 402082, MedGen C5190799.

Allele frequency attached by ClinVar (database versions not stated): gnomAD exomes below 0.00001; TOPMed 0.00002.
gnomAD v4.1: 5 of 1,614,098 alleles (0.00031%); highest among the groups gnomAD compares: Admixed American, 0.005%; no homozygotes.

Submission:

Labcorp Genetics (formerly Invitae), Labcorp
Classification: Uncertain significance for Progressive myoclonic epilepsy type 5. Last evaluated: 2022-11-24. Review status: criteria provided, single submitter. Criteria: Invitae Variant Classification Sherloc (09022015). Collection method: clinical testing. Allele origin: germline.
Comment: In summary, the available evidence is currently insufficient to determine the role of this variant in disease. Therefore, it has been classified as a Variant of Uncertain Significance. Advanced modeling of protein sequence and biophysical properties (such as structural, functional, and spatial information, amino acid conservation, physicochemical variation, residue mobility, and thermodynamic stability) performed at Invitae indicates that this missense variant is expected to disrupt PRICKLE2 protein function. This sequence change replaces arginine, which is basic and polar, with cysteine, which is neutral and slightly polar, at codon 115 of the PRICKLE2 protein (p.Arg115Cys). This variant is present in population databases (rs752616529, gnomAD 0.006%). This variant has not been reported in the literature in individuals affected with PRICKLE2-related conditions. ClinVar contains an entry for this variant (Variation ID: 645455).

NM_198859.4(PRICKLE2):c.343C>T (p.Arg115Cys)

Gene: PRICKLE2 (prickle planar cell polarity protein 2; minus strand). Cytogenetic location: 3p14.1.
Variant type: single nucleotide variant.
Coding change: c.343C>T on transcript NM_198859.4 (MANE Select); coding-DNA position 343, C replaced by T.
Protein change: p.Arg115Cys; replaces arginine 115 with cysteine.
Molecular consequence: missense variant.
Genome position (GRCh38, 1-based): chr3:64,159,993, G>A on the plus strand (C>T on the coding strand, the complement: PRICKLE2 is on the minus strand). VCF-style: chr3-64159993-G-A. GRCh37 (hg19) VCF-style: chr3-64145669-G-A.
Other names: c.343C>T, p.Arg115Cys (NM_001370528.1); short protein forms R115C.
Identifiers: ClinVar variation 645455 (VCV000645455.6), dbSNP rs752616529, ClinGen allele CA2479849.
Genomic context (GRCh38, chr3:64,159,993, plus strand): 5'-TGCTTACCTGTTCACAAATAGCTCCTGTCATGGTGACTGGGAAAGGCCTGACATTCCCGC[G>A]GCCCAAGTTTTCGCGTTTCCTCTGGCTGCTGAAAAGCTTCAGCTCCCTCTTCTCTTCCTC-3'
Protein context (NP_942559.1, residues 105-125): SSQRKRENLG[Arg115Cys]GNVRPFPVTM